The following is an entry in ClinVar:

NM_016507.4(CDK12):c.1984A>G (p.Thr662Ala)

Gene: CDK12 (cyclin dependent kinase 12; plus strand). Cytogenetic location: 17q12.
Variant type: single nucleotide variant.
Coding change: c.1984A>G on transcript NM_016507.4 (MANE Select); coding-DNA position 1984, A replaced by G.
Protein change: p.Thr662Ala; replaces threonine 662 with alanine.
Molecular consequence: missense variant.
Genome position (GRCh38, 1-based): chr17:39,490,609, A>G. VCF-style: chr17-39490609-A-G. GRCh37 (hg19) VCF-style: chr17-37646862-A-G.
Other names: c.1984A>G, p.Thr662Ala (NM_015083.4); short protein forms T662A.
Identifiers: ClinVar variation 4825958 (VCV004825958.1).
Genomic context (GRCh38, chr17:39,490,609, plus strand): 5'-TTGTTTAGTCCAAAAGAAACTCTTCCTTCAAAACCTGTGAAGAAAGAGAAGGAACAGAGG[A>G]CACGTCACTTACTCACAGACCTTCCTCTCCCTCCAGAGCTCCCTGGTGGAGATCTGTCTC-3'
Protein context (NP_057591.2, residues 652-672): KPVKKEKEQR[Thr662Ala]RHLLTDLPLP

ClinVar aggregate classification (germline): Uncertain significance (1 of 4 stars; one submission).

gnomAD v4.1: 3 of 1,613,834 alleles (0.00019%); highest among the groups gnomAD compares: East Asian, 0.0022%; no homozygotes.

Submission:

Ambry Genetics
Classification: Uncertain significance. Last evaluated: 2026-03-12. Review status: criteria provided, single submitter. Criteria: Ambry Variant Classification Scheme 2023. Collection method: clinical testing. Allele origin: germline.
Comment: The p.T662A variant (also known as c.1984A>G), located in coding exon 3 of the CDK12 gene, results from an A to G substitution at nucleotide position 1984. The threonine at codon 662 is replaced by alanine, an amino acid with similar properties. This amino acid position is conserved. In addition, this alteration is predicted to be tolerated by in silico analysis. Based on the available evidence, the clinical significance of this variant remains unclear.